The following is an entry in ClinVar:

ClinVar aggregate classification (germline): Uncertain significance (1 of 4 stars; one submission).

Submission:

Labcorp Genetics (formerly Invitae), Labcorp
Classification: Uncertain significance. Last evaluated: 2024-10-15. Review status: criteria provided, single submitter. Criteria: Invitae Variant Classification Sherloc (09022015). Collection method: clinical testing. Allele origin: germline.
Comment: This sequence change replaces leucine, which is neutral and non-polar, with phenylalanine, which is neutral and non-polar, at codon 295 of the PKP1 protein (p.Leu295Phe). This variant is not present in population databases (gnomAD no frequency). This variant has not been reported in the literature in individuals affected with PKP1-related conditions. ClinVar contains an entry for this variant (Variation ID: 2101860). Invitae Evidence Modeling of protein sequence and biophysical properties (such as structural, functional, and spatial information, amino acid conservation, physicochemical variation, residue mobility, and thermodynamic stability) indicates that this missense variant is expected to disrupt PKP1 protein function with a positive predictive value of 80%. In summary, the available evidence is currently insufficient to determine the role of this variant in disease. Therefore, it has been classified as a Variant of Uncertain Significance.

NM_001005337.3(PKP1):c.883C>T (p.Leu295Phe)

Gene: PKP1 (plakophilin 1; plus strand). Cytogenetic location: 1q32.1.
Variant type: single nucleotide variant.
Coding change: c.883C>T on transcript NM_001005337.3 (MANE Select); coding-DNA position 883, C replaced by T.
Protein change: p.Leu295Phe; replaces leucine 295 with phenylalanine.
Molecular consequence: missense variant.
Genome position (GRCh38, 1-based): chr1:201,317,608, C>T. VCF-style: chr1-201317608-C-T. GRCh37 (hg19) VCF-style: chr1-201286736-C-T.
Other names: c.883C>T, p.Leu295Phe (NM_000299.4); short protein forms L295F.
Identifiers: ClinVar variation 2101860 (VCV002101860.4), dbSNP rs150414253, ClinGen allele CA344178100.